The following is an entry in ClinVar:

NM_001122630.2(CDKN1C):c.583C>T (p.Pro195Ser)

Gene: CDKN1C (cyclin dependent kinase inhibitor 1C; minus strand). Cytogenetic location: 11p15.4.
Variant type: single nucleotide variant.
Coding change: c.583C>T on transcript NM_001122630.2 (MANE Select); coding-DNA position 583, C replaced by T.
Protein change: p.Pro195Ser; replaces proline 195 with serine.
Molecular consequence: missense variant. On other transcripts: intron variant (1).
Genome position (GRCh38, 1-based): chr11:2,884,874, G>A on the plus strand (C>T on the coding strand, the complement: CDKN1C is on the minus strand). VCF-style: chr11-2884874-G-A. GRCh37 (hg19) VCF-style: chr11-2906104-G-A.
Other names: c.616C>T, p.Pro206Ser (NM_000076.2, NM_001362474.2); c.583C>T, p.Pro195Ser (NM_001122631.2); c.255+328C>T (NM_001362475.2); short protein forms P195S, P206S.
Identifiers: ClinVar variation 2102456 (VCV002102456.4), dbSNP rs2494385714, ClinGen allele CA379146288.

ClinVar aggregate classification (germline): Uncertain significance (1 of 4 stars; one submission).

Conditions:
Beckwith-Wiedemann syndrome (BWS). Also called: EMG SYNDROME; Exomphalos macroglossia gigantism syndrome. Identifiers: Orphanet 116, MedGen C0004903, MONDO:0007534, OMIM 130650.

Submission:

Labcorp Genetics (formerly Invitae), Labcorp
Classification: Uncertain significance for Beckwith-Wiedemann syndrome. Last evaluated: 2022-02-23. Review status: criteria provided, single submitter. Criteria: Invitae Variant Classification Sherloc (09022015). Collection method: clinical testing. Allele origin: germline.
Comment: In summary, the available evidence is currently insufficient to determine the role of this variant in disease. Therefore, it has been classified as a Variant of Uncertain Significance. Algorithms developed to predict the effect of missense changes on protein structure and function output the following: SIFT: "Tolerated"; PolyPhen-2: "Not Available"; Align-GVGD: "Class C0". The serine amino acid residue is found in multiple mammalian species, which suggests that this missense change does not adversely affect protein function. This variant has not been reported in the literature in individuals affected with CDKN1C-related conditions. The frequency data for this variant in the population databases is considered unreliable, as metrics indicate insufficient coverage at this position in the gnomAD database. This sequence change replaces proline, which is neutral and non-polar, with serine, which is neutral and polar, at codon 206 of the CDKN1C protein (p.Pro206Ser).